The following is an entry in ClinVar:

ClinVar aggregate classification (germline): Pathogenic (1 of 4 stars; one submission).

Conditions:
Cohen syndrome (COH1). Also called: PEPPER SYNDROME; Cutis verticis gyrata, retinitis pigmentosa, and sensorineural deafness. Identifiers: Orphanet 193, MedGen C0265223, MONDO:0008999, OMIM 216550.

Submission:

Labcorp Genetics (formerly Invitae), Labcorp
Classification: Pathogenic for Cohen syndrome. Last evaluated: 2021-10-01. Review status: criteria provided, single submitter. Criteria: Invitae Variant Classification Sherloc (09022015). Collection method: clinical testing. Allele origin: germline.
Comment: This sequence change creates a premature translational stop signal (p.Val3323_Asp3329delinsProLeuGluLeuAsnLeu*) in the VPS13B gene. It is expected to result in an absent or disrupted protein product. Loss-of-function variants in VPS13B are known to be pathogenic (PMID: 15141358, 16648375, 20461111). This variant is not present in population databases (ExAC no frequency). This variant has not been reported in the literature in individuals affected with VPS13B-related conditions. Algorithms developed to predict the effect of sequence changes on RNA splicing suggest that this variant may create or strengthen a splice site. For these reasons, this variant has been classified as Pathogenic.

Literature cited by the submitters: PubMed 15141358; PubMed 16648375; PubMed 20461111.

NM_152564.5(VPS13B):c.9891_9892insCCTCTAGA (p.Val3298fs)

Gene: VPS13B (vacuolar protein sorting 13 homolog B; plus strand). Cytogenetic location: 8q22.2.
Variant type: Insertion.
Coding change: c.9891_9892insCCTCTAGA on transcript NM_152564.5 (MANE Select); coding-DNA positions 9891 to 9892, CCTCTAGA inserted.
Protein change: p.Val3298fs; shifts the reading frame from valine 3298.
Molecular consequence: frameshift variant.
Genome position: GRCh38 VCF-style: chr8-99835686-A-AACCTCTAG. GRCh37 (hg19) VCF-style: chr8-100847914-A-AACCTCTAG.
Other names: c.9966_9967insCCTCTAGA, p.Val3323fs (NM_017890.5); short protein forms V3298fs, V3323fs.
Identifiers: ClinVar variation 1398296 (VCV001398296.1), dbSNP rs2130866708, ClinGen allele CA2573143609.